The following is an entry in ClinVar:

NM_181523.3(PIK3R1):c.1519G>T (p.Glu507Ter)

Gene: PIK3R1 (phosphoinositide-3-kinase regulatory subunit 1; plus strand). Cytogenetic location: 5q13.1.
Variant type: single nucleotide variant.
Coding change: c.1519G>T on transcript NM_181523.3 (MANE Select); coding-DNA position 1519, G replaced by T.
Protein change: p.Glu507Ter; replaces glutamic acid 507 with a stop codon.
Molecular consequence: nonsense.
Genome position (GRCh38, 1-based): chr5:68,294,629, G>T. VCF-style: chr5-68294629-G-T. GRCh37 (hg19) VCF-style: chr5-67590457-G-T.
Other names: c.430G>T, p.Glu144Ter (NM_001242466.2); c.709G>T, p.Glu237Ter (NM_181504.4); c.619G>T, p.Glu207Ter (NM_181524.2); short protein forms E507*, E237*, E144*, E207*.
Identifiers: ClinVar variation 452727 (VCV000452727.3), dbSNP rs1554051161, ClinGen allele CA359881964.

ClinVar aggregate classification (germline): Likely pathogenic (1 of 4 stars; one submission).

Submission:

GeneDx
Classification: Likely pathogenic. Last evaluated: 2020-02-12. Review status: criteria provided, single submitter. Criteria: GeneDx Variant Classification Process June 2021. Collection method: clinical testing. Allele origin: germline. Affected: yes.
Comment: Nonsense variant predicted to result in protein truncation or nonsense mediated decay in a gene for which loss-of-function is a known mechanism of disease; Not observed in large population cohorts (Lek et al., 2016); Has not been previously published as pathogenic or benign to our knowledge